The following is an entry in ClinVar:

NM_144997.7(FLCN):c.415G>A (p.Gly139Ser)

Gene: FLCN (folliculin; minus strand). Cytogenetic location: 17p11.2.
Variant type: single nucleotide variant.
Coding change: c.415G>A on transcript NM_144997.7 (MANE Select); coding-DNA position 415, G replaced by A.
Protein change: p.Gly139Ser; replaces glycine 139 with serine.
Molecular consequence: missense variant.
Genome position (GRCh38, 1-based): chr17:17,224,125, C>T on the plus strand (G>A on the coding strand, the complement: FLCN is on the minus strand). VCF-style: chr17-17224125-C-T. GRCh37 (hg19) VCF-style: chr17-17127439-C-T.
Other names: c.469G>A, p.Gly157Ser (NM_001353229.2); c.415G>A, p.Gly139Ser (NM_001353230.2, NM_001353231.2, NM_144606.7); short protein forms G139S, G157S.
Identifiers: ClinVar variation 2675745 (VCV002675745.2), dbSNP rs2144982654, ClinGen allele CA398534616.
Genomic context (GRCh38, chr17:17,224,125, plus strand): 5'-TGATGAAGAAGGTGTGGCTGAACACAAAGCCGTGCTGCTCATCTCCGAAGAAGATGGGGC[C>T]TTCACGGCCAGGGCAGACCTGGAGGGACACCGGCGACTCAGACAGCCCTTTCCTCGCTTA-3'
Protein context (NP_659434.2, residues 129-149): LSCEVCPGRE[Gly139Ser]PIFFGDEQHG

ClinVar aggregate classification (germline): Uncertain significance. Review status: criteria provided, multiple submitters, no conflicts (2 of 4 stars). 2 submissions from 2 submitters: Uncertain significance (2). Last evaluated 2026-05-17.

Conditions:
Hereditary cancer-predisposing syndrome. Also called: Tumor predisposition; Hereditary neoplastic syndrome; Neoplastic Syndromes, Hereditary; Hereditary Cancer Syndrome. Identifiers: Orphanet 140162, MedGen C0027672, MeSH D009386, MONDO:0015356.
Birt-Hogg-Dube syndrome. Also called: Birt Hogg Dubé syndrome. Identifiers: Orphanet 122, MedGen C0346010, MONDO:0800444.

gnomAD v4.1: 1 of 1,596,692 alleles (0.000063%); highest among the groups gnomAD compares: Non-Finnish European, 0.000085%; no homozygotes.

Submissions (2):

Ambry Genetics
Classification: Uncertain significance for Hereditary cancer-predisposing syndrome. Last evaluated: 2026-05-17. Review status: criteria provided, single submitter. Criteria: Ambry Variant Classification Scheme 2023. Collection method: clinical testing. Allele origin: germline.
Comment: The p.G139S variant (also known as c.415G>A), located in coding exon 3 of the FLCN gene, results from a G to A substitution at nucleotide position 415. The glycine at codon 139 is replaced by serine, an amino acid with similar properties. This amino acid position is conserved. In addition, this alteration is predicted to be deleterious by in silico analysis. Based on the available evidence, the clinical significance of this variant remains unclear.

Baylor Genetics
Classification: Uncertain significance for Birt-Hogg-Dube syndrome 1. Last evaluated: 2023-06-22. Review status: criteria provided, single submitter. Criteria: ACMG Guidelines, 2015. Collection method: clinical testing. Allele origin: unknown.